The following is an entry in ClinVar:

ClinVar aggregate classification (germline): Uncertain significance (1 of 4 stars; one submission).

Submission:

GeneDx
Classification: Uncertain significance. Last evaluated: 2025-12-26. Review status: criteria provided, single submitter. Criteria: GeneDx Variant Classification Process June 2021. Collection method: clinical testing. Allele origin: germline.
Comment: Frameshift variant predicted to result in protein truncation or nonsense mediated decay in a gene or region of a gene for which loss of function is not a well-established mechanism of disease; Not observed at significant frequency in large population cohorts (gnomAD); Has not been previously published as pathogenic or benign to our knowledge; Variants in candidate genes are classified as variants of uncertain significance in accordance with ACMG guidelines (PMID: 25741868)

NM_014717.3(ZNF536):c.447_450dup (p.Thr151fs)

Gene: ZNF536 (zinc finger protein 536; plus strand). Cytogenetic location: 19q12.
Variant type: Microsatellite.
Coding change: c.447_450dup on transcript NM_014717.3 (MANE Select); coding-DNA positions 447 to 450, 4 bases duplicated (GCGC; older notation c.447_450dupGCGC).
Protein change: p.Thr151fs; shifts the reading frame from threonine 151.
Molecular consequence: frameshift variant.
Genome position (GRCh38, 1-based): chr19:30,444,009-30,444,012, GCGC duplicated. VCF-style (leftmost placement, unchanged base first): chr19-30444008-T-TGCGC. GRCh37 (hg19) VCF-style: chr19-30934915-T-TGCGC.
Other names: c.447_450dup, p.Thr151fs (NM_001352260.2, NM_001376110.1, NM_001376111.1 and 1 more transcripts); short protein forms T151fs.
Identifiers: ClinVar variation 4975219 (VCV004975219.1).